The following is an entry in ClinVar:

NM_001099271.2(POC5):c.223+5T>C

Gene: POC5 (POC5 centriolar protein; minus strand). Cytogenetic location: 5q13.3.
Variant type: single nucleotide variant.
Coding change: c.223+5T>C on transcript NM_001099271.2 (MANE Select); 5 bases into the intron after coding-DNA position 223, T replaced by C.
Molecular consequence: intron variant.
Genome position (GRCh38, 1-based): chr5:75,707,732, A>G on the plus strand (T>C on the coding strand, the complement: POC5 is on the minus strand). VCF-style: chr5-75707732-A-G. GRCh37 (hg19) VCF-style: chr5-75003557-A-G.
Other names: c.148+5T>C (NM_152408.3).
Identifiers: ClinVar variation 3640402 (VCV003640402.2).

ClinVar aggregate classification (germline): Uncertain significance (1 of 4 stars; one submission).

gnomAD v4.1: 1 of 1,519,304 alleles (0.000066%); highest among the groups gnomAD compares: Non-Finnish European, 0.000089%; no homozygotes.

Submission:

Labcorp Genetics (formerly Invitae), Labcorp
Classification: Uncertain significance. Last evaluated: 2024-02-13. Review status: criteria provided, single submitter. Criteria: Invitae Variant Classification Sherloc (09022015). Collection method: clinical testing. Allele origin: germline.
Comment: This sequence change falls in intron 3 of the POC5 gene. It does not directly change the encoded amino acid sequence of the POC5 protein. It affects a nucleotide within the consensus splice site. This variant is not present in population databases (gnomAD no frequency). This variant has not been reported in the literature in individuals affected with POC5-related conditions. Variants that disrupt the consensus splice site are a relatively common cause of aberrant splicing (PMID: 17576681, 9536098). Algorithms developed to predict the effect of sequence changes on RNA splicing suggest that this variant may disrupt the consensus splice site. In summary, the available evidence is currently insufficient to determine the role of this variant in disease. Therefore, it has been classified as a Variant of Uncertain Significance.

Literature cited by the submitters: PubMed 17576681; PubMed 9536098.